The following continues an entry in ClinVar:

NM_006757.4(TNNT3):c.188G>A (p.Arg63His)

Gene: TNNT3. ClinVar aggregate classification (germline): Pathogenic/Likely pathogenic. Pathogenic (16); Likely pathogenic (1).

Submissions 12 to 21 of 21:

GeneDx
Classification: Pathogenic. Last evaluated: 2021-11-28. Review status: criteria provided, single submitter. Criteria: GeneDx Variant Classification Process June 2021. Collection method: clinical testing. Allele origin: germline. Affected: yes.
Comment: Not observed in large population cohorts (gnomAD); In silico analysis supports that this missense variant has a deleterious effect on protein structure/function; This variant is associated with the following publications: (PMID: 19142688, 23401156, 24319099, 12865991, 25337069, 30216196, 31974414, 32779773, 26915936)

SIB Swiss Institute of Bioinformatics
Classification: Pathogenic for Arthrogryposis, distal, type 2B2. Last evaluated: 2019-08-22. Review status: criteria provided, single submitter. Criteria: ACMG Guidelines, 2015. Collection method: curation. Allele origin: unknown.
Comment: This variant is interpreted as a Pathogenic for Arthrogryposis, distal, 2B2, autosomal dominant. The following ACMG Tag(s) were applied: PM2, PM6, PP3, PP1-Strong, PS4-Supporting.

CeGaT Center for Human Genetics Tuebingen
Classification: Pathogenic. Last evaluated: 2018-05-01. Review status: criteria provided, single submitter. Criteria: CeGaT Center For Human Genetics Tuebingen Variant Classification Criteria Version 2. Collection method: clinical testing. Allele origin: germline. Affected: yes. Observed: 2 variant alleles.

Genetic Services Laboratory, University of Chicago
Classification: Pathogenic for Arthyrgryposis, distal, type 2B. Last evaluated: 2015-03-05. Review status: criteria provided, single submitter. Criteria: ACMG Guidelines, 2015. Collection method: clinical testing. Allele origin: germline. Affected: yes.

Institute of Human Genetics, University Hospital of Duesseldorf
Classification: Likely pathogenic for Arthrogryposis, distal, type 2B2. Review status: criteria provided, single submitter. Criteria: ACMG Guidelines, 2015. Collection method: not provided. Allele origin: germline. Inheritance: Autosomal dominant inheritance. Affected: yes.

Juno Genomics, Hangzhou Juno Genomics, Inc
Classification: Pathogenic for Arthrogryposis, distal, type 2B2. Review status: criteria provided, single submitter. Criteria: ACMG Guidelines, 2015. Collection method: clinical testing. Allele origin: germline. Affected: yes.
Comment: Absent from controls (or at extremely low frequency if recessive) in Genome Aggregation Database, Exome Sequencing Project, 1000 Genomes Project, or Exome Aggregation Consortium.;The prevalence of the variant in affected individuals is significantly increased compared to the prevalence in controls.;Assumed de novo, but without confirmation of paternity and maternity.;Co-segregation with disease in multiple affected family members in a gene definitively known to cause the disease.;Patient's phenotype or family history is highly specific for a disease with a single genetic etiology.;Novel missense change at an amino acid residue where a different missense change determined to be pathogenic has been seen before.;Multiple lines of computational evidence support a deleterious effect on the gene or gene product (conservation, evolutionary, splicing impact, etc).

Leiden Muscular Dystrophy (TNNT3)
No classification provided. Last evaluated: 2012-03-18. Review status: no classification provided. Collection method: curation. Allele origin: germline, de novo. Not counted in ClinVar's aggregate classification.

OMIM
Classification: Pathogenic for ARTHROGRYPOSIS, DISTAL, TYPE 2B2. Last evaluated: 2009-05-01. Review status: no assertion criteria provided. Collection method: literature only. Allele origin: germline. Not counted in ClinVar's aggregate classification.

Clinical Genetics DNA and cytogenetics Diagnostics Lab, Erasmus MC, Erasmus Medical Center
Classification: Pathogenic. Review status: no assertion criteria provided. Collection method: clinical testing. Allele origin: germline. Affected: yes. Study: VKGL Data-share Consensus. Not counted in ClinVar's aggregate classification.

Clinical Genetics, Academic Medical Center
Classification: Pathogenic. Review status: no assertion criteria provided. Collection method: clinical testing. Allele origin: germline. Affected: yes. Study: VKGL Data-share Consensus. Not counted in ClinVar's aggregate classification.

Literature cited by the submitters: PubMed 36968005 (cited by Dasa); PubMed 12865991 (cited by 7 submitters); PubMed 25337069 (cited by 4 submitters); PubMed 19142688 (cited by 5 submitters); PubMed 21402185 (cited by 3billion); PubMed 31974414 (cited by 3 submitters); PubMed 32779773 (cited by New York Genome Center); PubMed 23401156 (cited by New York Genome Center); PubMed 24319099 (cited by Women's Health and Genetics/Laboratory Corporation of America, LabCorp); PubMed 10525521 (cited by OMIM).